The following is an entry in ClinVar:

ClinVar aggregate classification (germline): Uncertain significance. Review status: criteria provided, multiple submitters, no conflicts (2 of 4 stars). 4 submissions from 3 submitters: Uncertain significance (4). Last evaluated 2025-08-19.

Conditions:
TRIM32-related disorder. Also called: TRIM32-related condition.
Inborn genetic diseases. Identifiers: MedGen C0950123, MeSH D030342.
Sarcotubular myopathy (LGMDR8). Also called: Hutterite type of muscular dystrophy; Limb-girdle muscular dystrophy, type 2H; Autosomal recessive limb-girdle muscular dystrophy type 2H; MUSCULAR DYSTROPHY, LIMB-GIRDLE, AUTOSOMAL RECESSIVE 8. Identifiers: Orphanet 1878, MedGen C0270968, MONDO:0009683, OMIM 254110.
Bardet-Biedl syndrome 11 (BBS11). Identifiers: Orphanet 110, MedGen C1859569, MONDO:0014439, OMIM 615988.

Allele frequency attached by ClinVar (database versions not stated): gnomAD exomes below 0.00001 and 0.00002; ExAC 0.00001; gnomAD 0.00001; TOPMed 0.00002; ESP Exome Variant Server 0.00008.
gnomAD v4.1: 26 of 1,614,134 alleles (0.0016%); highest among the groups gnomAD compares: East Asian, 0.0022%; no homozygotes.

Submissions (4):

Ambry Genetics
Classification: Uncertain significance for Inborn genetic diseases. Last evaluated: 2025-08-19. Review status: criteria provided, single submitter. Criteria: Ambry Variant Classification Scheme 2023. Collection method: clinical testing. Allele origin: germline.

PreventionGenetics, part of Exact Sciences
Classification: Uncertain significance for TRIM32-related condition. Last evaluated: 2024-12-13. Review status: criteria provided, single submitter. Criteria: ACMG Guidelines, 2015. Collection method: clinical testing. Allele origin: germline.
Comment: The TRIM32 c.1432T>G variant is predicted to result in the amino acid substitution p.Leu478Val. To our knowledge, this variant has not been reported in the literature. This variant is reported in 0.00088% of alleles in individuals of European (Non-Finnish) descent in gnomAD. At this time, the clinical significance of this variant is uncertain due to the absence of conclusive functional and genetic evidence.

Illumina Laboratory Services, Illumina
Classification: Uncertain significance for Sarcotubular myopathy. Last evaluated: 2018-01-13. Review status: criteria provided, single submitter. Criteria: ICSL Variant Classification Criteria 13 December 2019. Collection method: clinical testing. Allele origin: germline.

Illumina Laboratory Services, Illumina
Classification: Uncertain significance for Bardet-Biedl syndrome 11. Last evaluated: 2018-01-13. Review status: criteria provided, single submitter. Criteria: ICSL Variant Classification Criteria 13 December 2019. Collection method: clinical testing. Allele origin: germline.

NM_012210.4(TRIM32):c.1432T>G (p.Leu478Val)

Genes: ASTN2 (astrotactin 2; minus strand), TRIM32 (tripartite motif containing 32; plus strand). Cytogenetic location: 9q33.1.
Variant type: single nucleotide variant.
Coding change: c.1432T>G on transcript NM_012210.4 (MANE Select); coding-DNA position 1432, T replaced by G.
Protein change: p.Leu478Val; replaces leucine 478 with valine.
Molecular consequence: missense variant. On other transcripts: intron variant (3).
Genome position (GRCh38, 1-based): chr9:116,699,174, T>G. VCF-style: chr9-116699174-T-G. GRCh37 (hg19) VCF-style: chr9-119461453-T-G.
Other names: c.1432T>G, p.Leu478Val (NM_001099679.2, NM_001379048.1, NM_001379049.1 and 1 more transcripts); c.2653+26597A>C (NM_014010.5); c.2794+26597A>C (NM_001365069.1); c.2806+26597A>C (NM_001365068.1); short protein forms L478V.
Identifiers: ClinVar variation 364719 (VCV000364719.7), dbSNP rs371002754, ClinGen allele CA5211147.
Genomic context (GRCh38, chr9:116,699,174, plus strand): 5'-GATGGCCACTGCGTGGCCTGTCACAGGAGCCAGCTGAGCAAACCATGGGGTATCACAGCC[T>G]TGCCATCTGGCCAGTTTGTAGTAACCGATGTGGAAGGTGGAAAGCTTTGGTGTTTCACAG-3'
Protein context (NP_036342.2, residues 468-488): QLSKPWGITA[Leu478Val]PSGQFVVTDV